The following is an entry in ClinVar:

NM_001939.3(DRP2):c.2711G>A (p.Arg904Gln)

Gene: DRP2 (dystrophin related protein 2; plus strand). Cytogenetic location: Xq22.1.
Variant type: single nucleotide variant.
Coding change: c.2711G>A on transcript NM_001939.3 (MANE Select); coding-DNA position 2711, G replaced by A.
Protein change: p.Arg904Gln; replaces arginine 904 with glutamine.
Molecular consequence: missense variant.
Genome position (GRCh38, 1-based): chrX:101,260,131, G>A. VCF-style: chrX-101260131-G-A. GRCh37 (hg19) VCF-style: chrX-100515120-G-A.
Other names: c.2477G>A, p.Arg826Gln (NM_001171184.2); short protein forms R826Q, R904Q.
Identifiers: ClinVar variation 4776695 (VCV004776695.1).

ClinVar aggregate classification (germline): Uncertain significance (1 of 4 stars; one submission).

gnomAD v4.1: 7 of 1,209,172 alleles (0.00058%); highest among the groups gnomAD compares: South Asian, 0.0035%; no homozygotes.

Submission:

Labcorp Genetics (formerly Invitae), Labcorp
Classification: Uncertain significance. Last evaluated: 2025-06-16. Review status: criteria provided, single submitter. Criteria: Invitae Variant Classification Sherloc (09022015). Collection method: clinical testing. Allele origin: germline.
Comment: This sequence change replaces arginine, which is basic and polar, with glutamine, which is neutral and polar, at codon 904 of the DRP2 protein (p.Arg904Gln). This variant is present in population databases (rs770961264, gnomAD 0.007%). This variant has not been reported in the literature in individuals affected with DRP2-related conditions. An algorithm developed to predict the effect of missense changes on protein structure and function outputs the following: PolyPhen-2: "Benign". The glutamine amino acid residue is found in multiple mammalian species, which suggests that this missense change does not adversely affect protein function. In summary, the available evidence is currently insufficient to determine the role of this variant in disease. Therefore, it has been classified as a Variant of Uncertain Significance.